The following is an entry in ClinVar:

ClinVar aggregate classification (germline): Uncertain significance (1 of 4 stars; one submission).

Conditions:
Inborn genetic diseases. Identifiers: MedGen C0950123, MeSH D030342.

gnomAD v4.1: 3 of 1,590,046 alleles (0.00019%); highest among the groups gnomAD compares: South Asian, 0.0011%; no homozygotes.

Submission:

Ambry Genetics
Classification: Uncertain significance for Inborn genetic diseases. Last evaluated: 2026-08-18. Review status: criteria provided, single submitter. Criteria: Ambry Variant Classification Scheme 2023. Collection method: clinical testing. Allele origin: germline.
Comment: The c.3611A>G (p.N1204S) alteration is located in exon 22 (coding exon 22) of the CUX1 gene. This alteration results from a A to G substitution at nucleotide position 3611, causing the asparagine (N) at amino acid position 1204 to be replaced by a serine (S). Based on data from gnomAD, the G allele has an overall frequency of <0.001% (1/230248) total alleles studied. The highest observed frequency was 0.004% (1/27124) of South Asian alleles. Based on insufficient or conflicting evidence, the clinical significance of this alteration remains unclear.

NM_181552.4(CUX1):c.3578A>G (p.Asn1193Ser)

Gene: CUX1 (cut like homeobox 1; plus strand). Cytogenetic location: 7q22.1.
Variant type: single nucleotide variant.
Coding change: c.3578A>G on transcript NM_181552.4 (MANE Select); coding-DNA position 3578, A replaced by G.
Protein change: p.Asn1193Ser; replaces asparagine 1193 with serine.
Molecular consequence: missense variant. On other transcripts: intron variant (5).
Genome position (GRCh38, 1-based): chr7:102,234,196, A>G. VCF-style: chr7-102234196-A-G. GRCh37 (hg19) VCF-style: chr7-101877476-A-G.
Other names: c.3611A>G, p.Asn1204Ser (NM_001202543.2); c.1255+38593A>G (NM_001913.5); c.1249+38593A>G (NM_181500.4); c.1117+38593A>G (NM_001202545.3); c.1207+38593A>G (NM_001202544.3); c.1138+38593A>G (NM_001202546.3); short protein forms N1204S, N1193S.
Identifiers: ClinVar variation 5035077 (VCV005035077.1).